The following is an entry in ClinVar:

ClinVar aggregate classification (germline): Uncertain significance (1 of 4 stars; one submission).

Conditions:
Immunodeficiency 83, susceptibility to viral infections. Identifiers: Orphanet 1930, MedGen C2751803, MONDO:0800187, OMIM 613002.

Submission:

Neuberg Centre For Genomic Medicine, NCGM
Classification: Uncertain significance for Immunodeficiency 83, susceptibility to viral infections. Review status: criteria provided, single submitter. Criteria: ACMG Guidelines, 2015. Collection method: clinical testing. Allele origin: germline. Inheritance: Autosomal dominant inheritance. Affected: yes.
Comment: The missense variant c.1873G>T( p.Val625Phe) in TLR3 gene has not been reported previously as a pathogenic variant nor as a benign variant, to our knowledge. The p.Val625Phe variant is novel (not in any individuals) in gnomAD Exomes and 1000 Genomes. The amino acid Val at position 625 is changed to a Phe changing protein sequence and it might alter its composition and physico-chemical properties. The amino acid change p.Val625Phe in TLR3 is predicted as conserved by GERP++ and PhyloP across 100 vertebrates. For these reasons, this variant has been classified as Uncertain Significance .

NM_003265.3(TLR3):c.1873G>T (p.Val625Phe)

Gene: TLR3 (toll like receptor 3; plus strand). Cytogenetic location: 4q35.1.
Variant type: single nucleotide variant.
Coding change: c.1873G>T on transcript NM_003265.3 (MANE Select); coding-DNA position 1873, G replaced by T.
Protein change: p.Val625Phe; replaces valine 625 with phenylalanine.
Molecular consequence: missense variant.
Genome position (GRCh38, 1-based): chr4:186,083,559, G>T. VCF-style: chr4-186083559-G-T. GRCh37 (hg19) VCF-style: chr4-187004713-G-T.
Other names: short protein forms V625F.
Identifiers: ClinVar variation 2585561 (VCV002585561.1), dbSNP rs772808268, ClinGen allele CA358934434.
Genomic context (GRCh38, chr4:186,083,559, plus strand): 5'-GTCTTTAATAATCAGGTGTCTCTAAAGTCATTGAACCTTCAGAAGAATCTCATAACATCC[G>T]TTGAGAAGAAGGTTTTCGGGCCAGCTTTCAGGAACCTGACTGAGTTAGATATGCGCTTTA-3'
Protein context (NP_003256.1, residues 615-635): LNLQKNLITS[Val625Phe]EKKVFGPAFR